The following is an entry in ClinVar:

ClinVar aggregate classification (germline): Conflicting classifications of pathogenicity. Review status: criteria provided, conflicting classifications (1 of 4 stars). 2 submissions from 2 submitters: Uncertain significance (1); Likely benign (1). Last evaluated 2024-06-06.

Conditions:
Hereditary cancer-predisposing syndrome. Also called: Tumor predisposition; Hereditary Cancer Syndrome; Hereditary neoplastic syndrome; Neoplastic Syndromes, Hereditary. Identifiers: Orphanet 140162, MedGen C0027672, MeSH D009386, MONDO:0015356.
POLD1-related polyposis and colorectal cancer syndrome (CRCS10). Also called: Colorectal cancer 10; COLORECTAL CANCER, SUSCEPTIBILITY TO, ON CHROMOSOME 19q; Colorectal cancer, susceptibility to, 10. Identifiers: Orphanet 220460, MedGen C2675481, MONDO:0012953, OMIM 612591.

Allele frequency attached by ClinVar (database versions not stated): TOPMed below 0.00001.

Submissions (2):

Labcorp Genetics (formerly Invitae), Labcorp
Classification: Uncertain significance for POLD1-related polyposis and colorectal cancer syndrome. Last evaluated: 2024-06-06. Review status: criteria provided, single submitter. Criteria: Invitae Variant Classification Sherloc (09022015). Collection method: clinical testing. Allele origin: germline.
Comment: This sequence change affects codon 744 of the POLD1 mRNA. It is a 'silent' change, meaning that it does not change the encoded amino acid sequence of the POLD1 protein. This variant is not present in population databases (gnomAD no frequency). This variant has not been reported in the literature in individuals affected with POLD1-related conditions. ClinVar contains an entry for this variant (Variation ID: 484361). Studies have shown that this variant is associated with inconclusive levels of altered splicing (Invitae). In summary, the available evidence is currently insufficient to determine the role of this variant in disease. Therefore, it has been classified as a Variant of Uncertain Significance.

Ambry Genetics
Classification: Likely benign for Hereditary cancer-predisposing syndrome. Last evaluated: 2016-05-05. Review status: criteria provided, single submitter. Criteria: Ambry Variant Classification Scheme 2023. Collection method: clinical testing. Allele origin: germline.

NM_002691.4(POLD1):c.2232C>G (p.Gly744=)

Gene: POLD1 (DNA polymerase delta 1, catalytic subunit; plus strand). Cytogenetic location: 19q13.33.
Variant type: single nucleotide variant.
Coding change: c.2232C>G on transcript NM_002691.4 (MANE Select); coding-DNA position 2232, C replaced by G.
Protein change: p.Gly744=; no amino-acid change (glycine 744 retained).
Molecular consequence: synonymous variant. On other transcripts: non-coding transcript variant (1).
Genome position (GRCh38, 1-based): chr19:50,413,503, C>G. VCF-style: chr19-50413503-C-G. GRCh37 (hg19) VCF-style: chr19-50916760-C-G.
Other names: c.2232C>G, p.Gly744= (NM_001256849.1); c.2310C>G, p.Gly770= (NM_001308632.1).
Identifiers: ClinVar variation 484361 (VCV000484361.10), dbSNP rs1247893374, ClinGen allele CA508304974.